The following is an entry in ClinVar:

ClinVar aggregate classification (germline): Uncertain significance (1 of 4 stars; one submission).

Conditions:
Epilepsy, familial adult myoclonic, 5 (EPEO5). Also called: CORTICAL MYOCLONIC TREMOR WITH EPILEPSY, FAMILIAL, 5. Identifiers: Orphanet 86814, MedGen C3809374, MONDO:0014167, OMIM 615400.

Submission:

Labcorp Genetics (formerly Invitae), Labcorp
Classification: Uncertain significance for Epilepsy, familial adult myoclonic, 5. Last evaluated: 2022-01-21. Review status: criteria provided, single submitter. Criteria: Invitae Variant Classification Sherloc (09022015). Collection method: clinical testing. Allele origin: germline.
Comment: This variant has not been reported in the literature in individuals affected with CNTN2-related conditions. This variant is not present in population databases (gnomAD no frequency). This sequence change replaces valine, which is neutral and non-polar, with leucine, which is neutral and non-polar, at codon 296 of the CNTN2 protein (p.Val296Leu). Advanced modeling of protein sequence and biophysical properties (such as structural, functional, and spatial information, amino acid conservation, physicochemical variation, residue mobility, and thermodynamic stability) performed at Invitae indicates that this missense variant is not expected to disrupt CNTN2 protein function. In summary, the available evidence is currently insufficient to determine the role of this variant in disease. Therefore, it has been classified as a Variant of Uncertain Significance.

NM_005076.5(CNTN2):c.886G>C (p.Val296Leu)

Gene: CNTN2 (contactin 2; plus strand). Cytogenetic location: 1q32.1.
Variant type: single nucleotide variant.
Coding change: c.886G>C on transcript NM_005076.5 (MANE Select); coding-DNA position 886, G replaced by C.
Protein change: p.Val296Leu; replaces valine 296 with leucine.
Molecular consequence: missense variant. On other transcripts: non-coding transcript variant (1).
Genome position (GRCh38, 1-based): chr1:205,061,333, G>C. VCF-style: chr1-205061333-G-C. GRCh37 (hg19) VCF-style: chr1-205030461-G-C.
Other names: c.886G>C, p.Val296Leu (NM_001346083.2); short protein forms V296L.
Identifiers: ClinVar variation 2088799 (VCV002088799.4), dbSNP rs1187198906, ClinGen allele CA344409436.